The following is an entry in ClinVar:

NM_005883.3(APC2):c.4639G>C (p.Glu1547Gln)

Gene: APC2 (APC regulator of Wnt signaling pathway 2; plus strand). Cytogenetic location: 19p13.3.
Variant type: single nucleotide variant.
Coding change: c.4639G>C on transcript NM_005883.3 (MANE Select); coding-DNA position 4639, G replaced by C.
Protein change: p.Glu1547Gln; replaces glutamic acid 1547 with glutamine.
Molecular consequence: missense variant.
Genome position (GRCh38, 1-based): chr19:1,467,940, G>C. VCF-style: chr19-1467940-G-C. GRCh37 (hg19) VCF-style: chr19-1467939-G-C.
Other names: c.4639G>C (NM_005883.2); c.4636G>C, p.Glu1546Gln (NM_001351273.1); short protein forms E1547Q, E1546Q.
Identifiers: ClinVar variation 2083385 (VCV002083385.4), dbSNP rs760468506, ClinGen allele CA9045880.
Genomic context (GRCh38, chr19:1,467,940, plus strand): 5'-CACCGGCGCACATCGGCCATCCCTCGCGCTTTTACGCGGGAGCGTCCGCAGGGCCGGAAG[G>C]AGGCCCCTGCCCCGTCCAAGGCTGCACCAGCTGCCCCGCCGCCCGCCCGGACCCAGCCCA-3'
Protein context (NP_005874.1, residues 1537-1557): FTRERPQGRK[Glu1547Gln]APAPSKAAPA

ClinVar aggregate classification (germline): Uncertain significance. Review status: criteria provided, multiple submitters, no conflicts (2 of 4 stars). 3 submissions from 3 submitters: Uncertain significance (3). Last evaluated 2025-11-07.

Conditions:
Inborn genetic diseases. Identifiers: MedGen C0950123, MeSH D030342.

Allele frequency attached by ClinVar (database versions not stated): ExAC 0.00002; TOPMed 0.00001; gnomAD exomes 0.00001.
gnomAD v4.1: 5 of 1,586,458 alleles (0.00032%); highest among the groups gnomAD compares: Admixed American, 0.0084%; no homozygotes.

Submissions (3):

Ambry Genetics
Classification: Uncertain significance for Inborn genetic diseases. Last evaluated: 2025-11-07. Review status: criteria provided, single submitter. Criteria: Ambry Variant Classification Scheme 2023. Collection method: clinical testing. Allele origin: germline.
Comment: The c.4639G>C (p.E1547Q) alteration is located in exon 15 (coding exon 14) of the APC2 gene. This alteration results from a G to C substitution at nucleotide position 4639, causing the glutamic acid (E) at amino acid position 1547 to be replaced by a glutamine (Q). Based on data from gnomAD, the C allele has an overall frequency of 0.002% (5/204702) total alleles studied. The highest observed frequency was 0.015% (5/32974) of Latino alleles. Based on insufficient or conflicting evidence, the clinical significance of this alteration remains unclear.

GeneDx
Classification: Uncertain significance. Last evaluated: 2023-06-21. Review status: criteria provided, single submitter. Criteria: GeneDx Variant Classification Process June 2021. Collection method: clinical testing. Allele origin: germline. Affected: yes.
Comment: In silico analysis supports that this missense variant does not alter protein structure/function; Has not been previously published as pathogenic or benign to our knowledge

Labcorp Genetics (formerly Invitae), Labcorp
Classification: Uncertain significance. Last evaluated: 2022-07-19. Review status: criteria provided, single submitter. Criteria: Invitae Variant Classification Sherloc (09022015). Collection method: clinical testing. Allele origin: germline.
Comment: This sequence change replaces glutamic acid, which is acidic and polar, with glutamine, which is neutral and polar, at codon 1547 of the APC2 protein (p.Glu1547Gln). This variant is present in population databases (rs760468506, gnomAD 0.02%). This variant has not been reported in the literature in individuals affected with APC2-related conditions. Algorithms developed to predict the effect of missense changes on protein structure and function (SIFT, PolyPhen-2, Align-GVGD) all suggest that this variant is likely to be tolerated. In summary, the available evidence is currently insufficient to determine the role of this variant in disease. Therefore, it has been classified as a Variant of Uncertain Significance.